The following is an entry in ClinVar:

NM_005236.3(ERCC4):c.1860C>G (p.Leu620=)

Gene: ERCC4 (ERCC excision repair 4, endonuclease catalytic subunit; plus strand). Cytogenetic location: 16p13.12.
Variant type: single nucleotide variant.
Coding change: c.1860C>G on transcript NM_005236.3 (MANE Select); coding-DNA position 1860, C replaced by G.
Protein change: p.Leu620=; no amino-acid change (leucine 620 retained).
Molecular consequence: synonymous variant.
Genome position (GRCh38, 1-based): chr16:13,937,814, C>G. VCF-style: chr16-13937814-C-G. GRCh37 (hg19) VCF-style: chr16-14031671-C-G.
Identifiers: ClinVar variation 932547 (VCV000932547.46), dbSNP rs758451676, ClinGen allele CA7910577.

ClinVar aggregate classification (germline): Likely benign. Review status: criteria provided, multiple submitters, no conflicts (2 of 4 stars). 4 submissions from 4 submitters: Likely benign (4). Last evaluated 2026-09-01.

Conditions:
Xeroderma pigmentosum, group F (XPF). Also called: XERODERMA PIGMENTOSUM, TYPE F; Xeroderma pigmentosum, type 6; XERODERMA PIGMENTOSUM VI; XP, GROUP F; XERODERMA PIGMENTOSUM, COMPLEMENTATION GROUP F; ERCC4-Related Xeroderma Pigmentosum. Identifiers: MedGen C0268140, MONDO:0010215, OMIM 278760.
Cockayne syndrome. Identifiers: Orphanet 191, MedGen C0009207, MONDO:0016006.
Fanconi anemia complementation group Q. Identifiers: Orphanet 84, MedGen C3808988, MONDO:0014108, OMIM 615272.

Allele frequency attached by ClinVar (database versions not stated): TOPMed 0.00006; gnomAD 0.00007 and 0.00009; ExAC 0.00002; gnomAD exomes 0.00002 and 0.00004.
gnomAD v4.1: 53 of 1,613,554 alleles (0.0033%); highest among the groups gnomAD compares: Middle Eastern, 0.016%; no homozygotes.

Submissions (4):

CeGaT Center for Human Genetics Tuebingen
Classification: Likely benign. Last evaluated: 2026-09-01. Review status: criteria provided, single submitter. Criteria: CeGaT Center For Human Genetics Tuebingen Variant Classification Criteria Version 2. Collection method: clinical testing. Allele origin: germline. Affected: yes. Observed: 2 variant alleles.
Comment: ERCC4: BP4, BP7

Labcorp Genetics (formerly Invitae), Labcorp
Classification: Likely benign for Fanconi anemia complementation group Q; Xeroderma pigmentosum, group F; Cockayne syndrome. Last evaluated: 2025-04-10. Review status: criteria provided, single submitter. Criteria: Invitae Variant Classification Sherloc (09022015). Collection method: clinical testing. Allele origin: germline.

Blueprint Genetics
Classification: Likely benign. Last evaluated: 2024-11-27. Review status: criteria provided, single submitter. Criteria: ACMG Guidelines, 2015. Collection method: clinical testing. Allele origin: germline.

Breakthrough Genomics
Classification: Likely benign. Review status: criteria provided, single submitter. Criteria: ACMG Guidelines, 2015. Collection method: not provided. Allele origin: germline. Inheritance: Autosomal recessive inheritance. Affected: yes.